The following is an entry in ClinVar:

ClinVar aggregate classification (germline): Likely benign (0 of 4 stars; one submission).

Conditions:
PEX5-related disorder. Also called: PEX5-related condition; PEX5-Related Disorders.

Submission:

PreventionGenetics, part of Exact Sciences
Classification: Likely benign for PEX5-related condition. Last evaluated: 2022-05-27. Review status: no assertion criteria provided. Collection method: clinical testing. Allele origin: germline.
Comment: This variant is classified as likely benign based on ACMG/AMP sequence variant interpretation guidelines (Richards et al. 2015 PMID: 25741868, with internal and published modifications).

NM_001351132.2(PEX5):c.148-7_148-4del

Gene: PEX5 (peroxisomal biogenesis factor 5; plus strand). Cytogenetic location: 12p13.31.
Variant type: Microsatellite.
Coding change: c.148-7_148-4del on transcript NM_001351132.2 (MANE Select); 7 bases into the intron before coding-DNA position 148 through 4 bases into the intron before coding-DNA position 148, 4 bases deleted (CTCT; older notation c.148-7_148-4delCTCT).
Molecular consequence: intron variant.
Genome position (GRCh38, 1-based): chr12:7,190,881-7,190,884, CTCT deleted; deleting any 4 consecutive bases within chr12:7,190,878-7,190,884 gives the same sequence; the c. name uses the placement nearest the transcript's 3' end. VCF-style (leftmost placement, unchanged base first): chr12-7190877-TTCTC-T. GRCh37 (hg19) VCF-style: chr12-7343473-TTCTC-T.
Other names: c.148-7_148-4del (NM_001351124.3, NM_001131026.2, NM_001351131.2 and 19 more transcripts); c.193-7_193-4del (NM_001351135.3, NM_001131023.2, NM_001351138.2).
Identifiers: ClinVar variation 3054895 (VCV003054895.2), dbSNP rs2539815220, ClinGen allele CA2591104580.